The following is an entry in ClinVar:

ClinVar aggregate classification (germline): Uncertain significance (1 of 4 stars; one submission).

Submission:

Labcorp Genetics (formerly Invitae), Labcorp
Classification: Uncertain significance. Last evaluated: 2025-12-06. Review status: criteria provided, single submitter. Criteria: Invitae Variant Classification Sherloc (09022015). Collection method: clinical testing. Allele origin: germline.
Comment: This sequence change replaces proline, which is neutral and non-polar, with threonine, which is neutral and polar, at codon 239 of the SETBP1 protein (p.Pro239Thr). This variant is present in population databases (no rsID available, gnomAD no frequency). This variant has not been reported in the literature in individuals affected with SETBP1-related conditions. Invitae Evidence Modeling of protein sequence and biophysical properties (such as structural, functional, and spatial information, amino acid conservation, physicochemical variation, residue mobility, and thermodynamic stability) indicates that this missense variant is not expected to disrupt SETBP1 protein function with a negative predictive value of 80%. In summary, the available evidence is currently insufficient to determine the role of this variant in disease. Therefore, it has been classified as a Variant of Uncertain Significance.

NM_015559.3(SETBP1):c.715C>A (p.Pro239Thr)

Gene: SETBP1 (SET binding protein 1; plus strand). Cytogenetic location: 18q12.3.
Variant type: single nucleotide variant.
Coding change: c.715C>A on transcript NM_015559.3 (MANE Select); coding-DNA position 715, C replaced by A.
Protein change: p.Pro239Thr; replaces proline 239 with threonine.
Molecular consequence: missense variant.
Genome position (GRCh38, 1-based): chr18:44,950,055, C>A. VCF-style: chr18-44950055-C-A. GRCh37 (hg19) VCF-style: chr18-42530020-C-A.
Other names: c.715C>A, p.Pro239Thr (NM_001379141.1, NM_001379142.1, NM_001410862.1); short protein forms P239T.
Identifiers: ClinVar variation 4745365 (VCV004745365.1).